The following is an entry in ClinVar:

NM_181672.3(OGT):c.1603A>G (p.Ile535Val)

Gene: OGT (O-linked N-acetylglucosamine (GlcNAc) transferase; plus strand). Cytogenetic location: Xq13.1.
Variant type: single nucleotide variant.
Coding change: c.1603A>G on transcript NM_181672.3 (MANE Select); coding-DNA position 1603, A replaced by G.
Protein change: p.Ile535Val; replaces isoleucine 535 with valine.
Molecular consequence: missense variant.
Genome position (GRCh38, 1-based): chrX:71,559,267, A>G. VCF-style: chrX-71559267-A-G. GRCh37 (hg19) VCF-style: chrX-70779117-A-G.
Other names: c.1573A>G, p.Ile525Val (NM_181673.3); short protein forms I525V, I535V.
Identifiers: ClinVar variation 1301100 (VCV001301100.2), dbSNP rs2040366519, ClinGen allele CA413555114.
Genomic context (GRCh38, chrX:71,559,267, plus strand): 5'-AGTTTTCCTAGATGAAAATTTATGTAGATTTTACTAACAAGCATTGGATTCTGTTGATAG[A>G]TTAATGTTCTTCATAAACCACCATATGAACATCCAAAAGACTTGAAGCTCAGTGATGGTC-3'
Protein context (NP_858058.1, residues 525-545): ERHGNLCLDK[Ile535Val]NVLHKPPYEH

ClinVar aggregate classification (germline): Likely pathogenic (1 of 4 stars; one submission).

Allele frequency attached by ClinVar (database versions not stated): gnomAD exomes below 0.00001; gnomAD 0.00001.
gnomAD v4.1: 2 of 1,202,826 alleles (0.00017%); highest among the groups gnomAD compares: Non-Finnish European, 0.00022%; no homozygotes.

Submission:

GeneDx
Classification: Likely pathogenic. Last evaluated: 2019-05-08. Review status: criteria provided, single submitter. Criteria: GeneDx Variant Classification Process June 2021. Collection method: clinical testing. Allele origin: germline. Affected: yes.
Comment: Not observed in large population cohorts (Lek et al., 2016); In silico analysis, which includes protein predictors and evolutionary conservation, supports that this variant does not alter protein structure/function; Has not been previously published as pathogenic or benign to our knowledge